The following is an entry in ClinVar:

NM_004284.6(CHD1L):c.111G>A (p.Arg37=)

Genes: CHD1L (chromodomain helicase DNA binding protein 1 like; plus strand), LOC129931354 (ATAC-STARR-seq lymphoblastoid silent region 1279; plus strand). Cytogenetic location: 1q21.1.
Variant type: single nucleotide variant.
Coding change: c.111G>A on transcript NM_004284.6 (MANE Select); coding-DNA position 111, G replaced by A.
Protein change: p.Arg37=; no amino-acid change (arginine 37 retained).
Molecular consequence: synonymous variant. On other transcripts: 5 prime UTR variant (16), non-coding transcript variant (16), intron variant (1).
Genome position (GRCh38, 1-based): chr1:147,242,814, G>A. VCF-style: chr1-147242814-G-A. GRCh37 (hg19) VCF-style: chr1-146714464-G-A.
Other names: c.-83G>A (NM_001256336.3); c.-203G>A (NM_001256337.3); c.111G>A, p.Arg37= (NM_001256338.3, NM_001348454.2); c.-116G>A (NM_001348453.2); c.-347G>A (NM_001348455.2); c.-284G>A (NM_001348456.2); c.-613G>A (NM_001348457.2); c.-644G>A (NM_001348458.2); and 10 more.
Identifiers: ClinVar variation 3347845 (VCV003347845.1).
Genomic context (GRCh38, chr1:147,242,814, plus strand): 5'-ACTGCGGCTTCATACTGAGGGCCGAGCCGAGGCGGCGCGGGTGCAGGAGCAGGACTTACG[G>A]CAGTGGGGGCTGACAGGTGAGCGGGCTCCGGGCGGACTTCGGCCAGGCGGGCCAACCTAT-3'
Protein context (NP_004275.4, residues 27-47): EAARVQEQDL[Arg37=]QWGLTGIHLR

ClinVar aggregate classification (germline): Likely benign (0 of 4 stars; one submission).

Conditions:
CHD1L-related disorder. Also called: CHD1L-related condition.

Submission:

PreventionGenetics, part of Exact Sciences
Classification: Likely benign for CHD1L-related condition. Last evaluated: 2024-07-03. Review status: no assertion criteria provided. Collection method: clinical testing. Allele origin: germline.
Comment: This variant is classified as likely benign based on ACMG/AMP sequence variant interpretation guidelines (Richards et al. 2015 PMID: 25741868, with internal and published modifications).